The following is an entry in ClinVar:

NM_015466.4(PTPN23):c.4158G>A (p.Thr1386=)

Gene: PTPN23 (protein tyrosine phosphatase non-receptor type 23; plus strand). Cytogenetic location: 3p21.31.
Variant type: single nucleotide variant.
Coding change: c.4158G>A on transcript NM_015466.4 (MANE Select); coding-DNA position 4158, G replaced by A.
Protein change: p.Thr1386=; no amino-acid change (threonine 1386 retained).
Molecular consequence: synonymous variant.
Genome position (GRCh38, 1-based): chr3:47,412,178, G>A. VCF-style: chr3-47412178-G-A. GRCh37 (hg19) VCF-style: chr3-47453668-G-A.
Other names: c.3780G>A, p.Thr1260= (NM_001304482.2).
Identifiers: ClinVar variation 2047053 (VCV002047053.26), dbSNP rs776032286, ClinGen allele CA2366482.

ClinVar aggregate classification (germline): Likely benign. Review status: criteria provided, multiple submitters, no conflicts (2 of 4 stars). 2 submissions from 2 submitters: Likely benign (2). Last evaluated 2024-01-01.

Allele frequency attached by ClinVar (database versions not stated): TOPMed below 0.00001; ExAC 0.00002; gnomAD 0.00002; gnomAD exomes 0.00002.

Submissions (2):

CeGaT Center for Human Genetics Tuebingen
Classification: Likely benign. Last evaluated: 2024-01-01. Review status: criteria provided, single submitter. Criteria: CeGaT Center For Human Genetics Tuebingen Variant Classification Criteria Version 2. Collection method: clinical testing. Allele origin: germline. Affected: yes. Observed: 1 variant allele.
Comment: PTPN23: BP4, BP7

Labcorp Genetics (formerly Invitae), Labcorp
Classification: Likely benign. Last evaluated: 2022-04-07. Review status: criteria provided, single submitter. Criteria: Invitae Variant Classification Sherloc (09022015). Collection method: clinical testing. Allele origin: germline.